The following is an entry in ClinVar:

NM_014244.5(ADAMTS2):c.2849C>T (p.Thr950Ile)

Gene: ADAMTS2 (ADAM metallopeptidase with thrombospondin type 1 motif 2; minus strand). Cytogenetic location: 5q35.3.
Variant type: single nucleotide variant.
Coding change: c.2849C>T on transcript NM_014244.5 (MANE Select); coding-DNA position 2849, C replaced by T.
Protein change: p.Thr950Ile; replaces threonine 950 with isoleucine.
Molecular consequence: missense variant.
Genome position (GRCh38, 1-based): chr5:179,125,082, G>A on the plus strand (C>T on the coding strand, the complement: ADAMTS2 is on the minus strand). VCF-style: chr5-179125082-G-A. GRCh37 (hg19) VCF-style: chr5-178552083-G-A.
Other names: short protein forms T950I.
Identifiers: ClinVar variation 1034872 (VCV001034872.8), dbSNP rs1762830772, ClinGen allele CA362420366.

ClinVar aggregate classification (germline): Uncertain significance (1 of 4 stars; one submission).

Conditions:
Ehlers-Danlos syndrome, dermatosparaxis type. Also called: Dermatosparaxis; EDS VIIC; Ehlers-Danlos syndrome, type VII, autosomal recessive. Identifiers: Orphanet 1901, MedGen C2700425, MONDO:0009161, OMIM 225410.

Submission:

Labcorp Genetics (formerly Invitae), Labcorp
Classification: Uncertain significance for Ehlers-Danlos syndrome, dermatosparaxis type. Last evaluated: 2021-08-31. Review status: criteria provided, single submitter. Criteria: Invitae Variant Classification Sherloc (09022015). Collection method: clinical testing. Allele origin: germline.
Comment: This sequence change replaces threonine with isoleucine at codon 950 of the ADAMTS2 protein (p.Thr950Ile). The threonine residue is highly conserved and there is a moderate physicochemical difference between threonine and isoleucine. This variant is not present in population databases (ExAC no frequency). This variant has not been reported in the literature in individuals affected with ADAMTS2-related conditions. Algorithms developed to predict the effect of missense changes on protein structure and function output the following: SIFT: "Deleterious"; PolyPhen-2: "Benign"; Align-GVGD: "Class C65". The isoleucine amino acid residue is found in multiple mammalian species, which suggests that this missense change does not adversely affect protein function. In summary, the available evidence is currently insufficient to determine the role of this variant in disease. Therefore, it has been classified as a Variant of Uncertain Significance.